The following is an entry in ClinVar:

NM_012414.4(RAB3GAP2):c.103C>T (p.Arg35Trp)

Gene: RAB3GAP2 (RAB3 GTPase activating non-catalytic protein subunit 2; minus strand). Cytogenetic location: 1q41.
Variant type: single nucleotide variant.
Coding change: c.103C>T on transcript NM_012414.4 (MANE Select); coding-DNA position 103, C replaced by T.
Protein change: p.Arg35Trp; replaces arginine 35 with tryptophan.
Molecular consequence: missense variant.
Genome position (GRCh38, 1-based): chr1:220,272,235, G>A on the plus strand (C>T on the coding strand, the complement: RAB3GAP2 is on the minus strand). VCF-style: chr1-220272235-G-A. GRCh37 (hg19) VCF-style: chr1-220445577-G-A.
Other names: c.103C>T (NM_012414.3); short protein forms R35W.
Identifiers: ClinVar variation 2144374 (VCV002144374.3), dbSNP rs1403389577, ClinGen allele CA344734574.

ClinVar aggregate classification (germline): Uncertain significance. Review status: criteria provided, multiple submitters, no conflicts (2 of 4 stars). 2 submissions from 2 submitters: Uncertain significance (2). Last evaluated 2024-11-21.

Conditions:
Inborn genetic diseases. Identifiers: MedGen C0950123, MeSH D030342.
Warburg micro syndrome 2 (WARBM2). Also called: MICRO SYNDROME 2. Identifiers: Orphanet 2510, MedGen C3280214, MONDO:0013641, OMIM 614225.
Martsolf syndrome (MARTS). Also called: Congenital cataract with intellectual disability and hypogonadotropic hypogonadism syndrome. Identifiers: Orphanet 1387, MedGen C0796037, MONDO:0023910.

Allele frequency attached by ClinVar (database versions not stated): gnomAD 0.00001.
gnomAD v4.1: 14 of 1,607,094 alleles (0.00087%); highest among the groups gnomAD compares: Non-Finnish European, 0.0012%; no homozygotes.

Submissions (2):

Ambry Genetics
Classification: Uncertain significance for Inborn genetic diseases. Last evaluated: 2024-11-21. Review status: criteria provided, single submitter. Criteria: Ambry Variant Classification Scheme 2023. Collection method: clinical testing. Allele origin: germline.

Labcorp Genetics (formerly Invitae), Labcorp
Classification: Uncertain significance for Martsolf syndrome; Warburg micro syndrome 2. Last evaluated: 2022-03-19. Review status: criteria provided, single submitter. Criteria: Invitae Variant Classification Sherloc (09022015). Collection method: clinical testing. Allele origin: germline.
Comment: In summary, the available evidence is currently insufficient to determine the role of this variant in disease. Therefore, it has been classified as a Variant of Uncertain Significance. Algorithms developed to predict the effect of missense changes on protein structure and function are either unavailable or do not agree on the potential impact of this missense change (SIFT: "Deleterious"; PolyPhen-2: "Possibly Damaging"; Align-GVGD: "Class C0"). This variant has not been reported in the literature in individuals affected with RAB3GAP2-related conditions. The frequency data for this variant in the population databases is considered unreliable, as metrics indicate poor data quality at this position in the gnomAD database. This sequence change replaces arginine, which is basic and polar, with tryptophan, which is neutral and slightly polar, at codon 35 of the RAB3GAP2 protein (p.Arg35Trp).